The following is an entry in ClinVar:

NM_144997.7(FLCN):c.1114A>T (p.Asn372Tyr)

Gene: FLCN (folliculin; minus strand). Cytogenetic location: 17p11.2.
Variant type: single nucleotide variant.
Coding change: c.1114A>T on transcript NM_144997.7 (MANE Select); coding-DNA position 1114, A replaced by T.
Protein change: p.Asn372Tyr; replaces asparagine 372 with tyrosine.
Molecular consequence: missense variant.
Genome position (GRCh38, 1-based): chr17:17,217,131, T>A on the plus strand (A>T on the coding strand, the complement: FLCN is on the minus strand). VCF-style: chr17-17217131-T-A. GRCh37 (hg19) VCF-style: chr17-17120445-T-A.
Other names: c.1168A>T, p.Asn390Tyr (NM_001353229.2); c.1114A>T, p.Asn372Tyr (NM_001353230.2, NM_001353231.2); short protein forms N372Y, N390Y.
Identifiers: ClinVar variation 3655973 (VCV003655973.2).

ClinVar aggregate classification (germline): Uncertain significance (1 of 4 stars; one submission).

Conditions:
Birt-Hogg-Dube syndrome. Also called: Birt Hogg Dubé syndrome. Identifiers: Orphanet 122, MedGen C0346010, MONDO:0800444.

Submission:

Labcorp Genetics (formerly Invitae), Labcorp
Classification: Uncertain significance for Birt-Hogg-Dube syndrome. Last evaluated: 2024-06-09. Review status: criteria provided, single submitter. Criteria: Invitae Variant Classification Sherloc (09022015). Collection method: clinical testing. Allele origin: germline.
Comment: This sequence change replaces asparagine, which is neutral and polar, with tyrosine, which is neutral and polar, at codon 372 of the FLCN protein (p.Asn372Tyr). This variant is not present in population databases (gnomAD no frequency). This variant has not been reported in the literature in individuals affected with FLCN-related conditions. Advanced modeling of protein sequence and biophysical properties (such as structural, functional, and spatial information, amino acid conservation, physicochemical variation, residue mobility, and thermodynamic stability) performed at Invitae indicates that this missense variant is expected to disrupt FLCN protein function with a positive predictive value of 80%. In summary, the available evidence is currently insufficient to determine the role of this variant in disease. Therefore, it has been classified as a Variant of Uncertain Significance.